The following is an entry in ClinVar:

NM_001267550.2(TTN):c.67619del (p.Val22540fs)

Genes: TTN (titin; minus strand), TTN-AS1 (TTN antisense RNA 1; plus strand), LOC126806423 (CDK7 strongly-dependent group 2 enhancer GRCh37_chr2:179443309-179444508; plus strand). Cytogenetic location: 2q31.2.
Variant type: Deletion.
Coding change: c.67619del on transcript NM_001267550.2 (MANE Select); coding-DNA position 67619, one base deleted (T; older notation c.67619delT).
Protein change: p.Val22540fs; shifts the reading frame from valine 22540.
Molecular consequence: frameshift variant.
Genome position (GRCh38, 1-based): chr2:178,579,578, A deleted on the plus strand (T on the coding strand, the reverse complement: TTN is on the minus strand). VCF-style (leftmost placement, unchanged base first): chr2-178579577-CA-C. GRCh37 (hg19) VCF-style: chr2-179444304-CA-C.
Other names: c.62696del, p.Val20899fs (NM_001256850.1); c.40424del, p.Val13475fs (NM_003319.4); c.59915del, p.Val19972fs (NM_133378.4); c.40799del, p.Val13600fs (NM_133432.3); c.41000del, p.Val13667fs (NM_133437.4); c.40424delT (NM_003319.4); short protein forms V19972fs, V20899fs, V13600fs, V13667fs, V22540fs, V13475fs.
Identifiers: ClinVar variation 3975771 (VCV003975771.1).

ClinVar aggregate classification (germline): Likely pathogenic (1 of 4 stars; one submission).

Conditions:
Cardiovascular phenotype. Identifiers: MedGen CN230736.

Submission:

Ambry Genetics
Classification: Likely pathogenic for Cardiovascular phenotype. Last evaluated: 2025-03-29. Review status: criteria provided, single submitter. Criteria: Ambry Variant Classification Scheme 2023. Collection method: clinical testing. Allele origin: germline.
Comment: The c.40424delT variant, located in coding exon 146 of the TTN gene, results from a deletion of one nucleotide at nucleotide position 40424, causing a translational frameshift with a predicted alternate stop codon (p.V13475Gfs*13). This exon is located in the A-band region of the N2-B isoform of the titin protein and is constitutively expressed in TTN transcripts (percent spliced in or PSI 100%). This variant is considered to be rare based on population cohorts in the Genome Aggregation Database (gnomAD). This variant is expected to result in loss of function by premature protein truncation or nonsense-mediated mRNA decay. While truncating variants in TTN are present in 1-3% of the general population, truncating variants in the A-band are the most common cause of dilated cardiomyopathy (Herman DS et al. N. Engl. J. Med., 2012 Feb;366:619-28; Roberts AM et al. Sci Transl Med, 2015 Jan;7:270ra6). TTN truncating variants encoded in constitutive exons (PSI >90%) have been found to be significantly associated with DCM regardless of their position in titin (Schafer S et al. Nat. Genet., 2017 01;49:46-53; Akhtar MM et al. Circ Heart Fail, 2020 Oct;13:e006832; Massier M et al. Clin Genet, 2025 Jan). Based on the majority of available evidence to date, this variant is likely to be pathogenic.